The following is an entry in ClinVar:

ClinVar aggregate classification (germline): Conflicting classifications of pathogenicity. Review status: criteria provided, conflicting classifications (1 of 4 stars). 3 submissions from 2 submitters: Uncertain significance (1); Likely benign (2). Last evaluated 2024-02-03.

Conditions:
Tangier disease (TGD). Also called: HIGH DENSITY LIPOPROTEIN DEFICIENCY, TANGIER TYPE; HIGH DENSITY LIPOPROTEIN DEFICIENCY, TYPE 1; Cholesterol thesaurismosis. Identifiers: Orphanet 31150, MedGen C0039292, MONDO:0008783, OMIM 205400.
Hypoalphalipoproteinemia, primary, 1. Identifiers: Orphanet 425, MedGen C5231558, MONDO:0011393, OMIM 604091.

Allele frequency attached by ClinVar (database versions not stated): gnomAD exomes 0.00004; TOPMed 0.00005; ESP Exome Variant Server 0.00008.
gnomAD v4.1: 110 of 1,614,056 alleles (0.0068%); highest among the groups gnomAD compares: Admixed American, 0.01%; no homozygotes.

Submissions (3):

Labcorp Genetics (formerly Invitae), Labcorp
Classification: Likely benign. Last evaluated: 2024-02-03. Review status: criteria provided, single submitter. Criteria: Invitae Variant Classification Sherloc (09022015). Collection method: clinical testing. Allele origin: germline.

Illumina Laboratory Services, Illumina
Classification: Uncertain significance for Tangier disease. Last evaluated: 2018-01-13. Review status: criteria provided, single submitter. Criteria: ICSL Variant Classification Criteria 13 December 2019. Collection method: clinical testing. Allele origin: germline.

Illumina Laboratory Services, Illumina
Classification: Likely benign for Hypoalphalipoproteinemia, primary, 1. Last evaluated: 2018-01-13. Review status: criteria provided, single submitter. Criteria: ICSL Variant Classification Criteria 13 December 2019. Collection method: clinical testing. Allele origin: germline.
Comment: This variant was observed in the ICSL laboratory as part of a predisposition screen in an ostensibly healthy population. It had not been previously curated by ICSL or reported in the Human Gene Mutation Database (HGMD: prior to June 1st, 2018), and was therefore a candidate for classification through an automated scoring system. Utilizing variant allele frequency, disease prevalence and penetrance estimates, and inheritance mode, an automated score was calculated to assess if this variant is too frequent to cause the disease. Based on the score and internal cut-off values, a variant classified as likely benign is not then subjected to further curation. The score for this variant resulted in a classification of likely benign for this disease.

NM_005502.4(ABCA1):c.551T>C (p.Leu184Ser)

Gene: ABCA1 (ATP binding cassette subfamily A member 1; minus strand). Cytogenetic location: 9q31.1.
Variant type: single nucleotide variant.
Coding change: c.551T>C on transcript NM_005502.4 (MANE Select); coding-DNA position 551, T replaced by C.
Protein change: p.Leu184Ser; replaces leucine 184 with serine.
Molecular consequence: missense variant.
Genome position (GRCh38, 1-based): chr9:104,858,691, A>G on the plus strand (T>C on the coding strand, the complement: ABCA1 is on the minus strand). VCF-style: chr9-104858691-A-G. GRCh37 (hg19) VCF-style: chr9-107620972-A-G.
Other names: short protein forms L184S.
Identifiers: ClinVar variation 913436 (VCV000913436.7), dbSNP rs141420090, ClinGen allele CA5169343.